The following is an entry in ClinVar:

ClinVar aggregate classification (germline): Pathogenic. Review status: criteria provided, multiple submitters, no conflicts (2 of 4 stars). 3 submissions from 3 submitters: Pathogenic (3). Last evaluated 2024-02-07.

Conditions:
Polycystic kidney disease, adult type (PKD1). Also called: Polycystic Kidney Disease 1, Autosomal Dominant; Polycystic kidney disease 1; Polycystic kidney disease 1, severe; Polycystic Kidney, Autosomal Dominant; POLYCYSTIC KIDNEY DISEASE, ADULT, TYPE I; POLYCYSTIC KIDNEY DISEASE 1 WITH OR WITHOUT POLYCYSTIC LIVER DISEASE. Identifiers: MedGen C3149841, MONDO:0008263, OMIM 173900.
PKD1-related disorder. Also called: PKD1-related condition.

Submissions (3):

Fulgent Genetics
Classification: Pathogenic for Polycystic kidney disease, adult type. Last evaluated: 2024-02-07. Review status: criteria provided, single submitter. Criteria: ACMG Guidelines, 2015. Collection method: clinical testing. Allele origin: germline.

Blueprint Genetics
Classification: Pathogenic for PKD1-related disorders. Last evaluated: 2020-05-27. Review status: criteria provided, single submitter. Criteria: ACMG Guidelines, 2015. Collection method: clinical testing. Allele origin: germline. Affected: yes. Observed: 1 variant allele.

Juno Genomics, Hangzhou Juno Genomics, Inc
Classification: Pathogenic for Polycystic kidney disease, adult type. Review status: criteria provided, single submitter. Criteria: ACMG Guidelines, 2015. Collection method: clinical testing. Allele origin: germline. Affected: yes.
Comment: Absent from controls (or at extremely low frequency if recessive) in Genome Aggregation Database, Exome Sequencing Project, 1000 Genomes Project, or Exome Aggregation Consortium.;Null variant in a gene where loss of function (LOF) is a known mechanism of disease.;The prevalence of the variant in affected individuals is significantly increased compared to the prevalence in controls.;Assumed de novo, but without confirmation of paternity and maternity.

NM_001009944.3(PKD1):c.7622dup (p.Arg2544fs)

Gene: PKD1 (polycystin 1, transient receptor potential channel interacting; minus strand). Cytogenetic location: 16p13.3.
Variant type: Duplication.
Coding change: c.7622dup on transcript NM_001009944.3 (MANE Select); coding-DNA position 7622, one base duplicated (C; older notation c.7622dupC).
Protein change: p.Arg2544fs; shifts the reading frame from arginine 2544.
Molecular consequence: frameshift variant.
Genome position (GRCh38, 1-based): chr16:2,106,172, G duplicated on the plus strand (C on the coding strand, the reverse complement: PKD1 is on the minus strand); the first of 5 consecutive G bases (chr16:2,106,172-2,106,176); duplicating any one gives the same sequence. VCF-style (leftmost placement, unchanged base first): chr16-2106171-C-CG. GRCh37 (hg19) VCF-style: chr16-2156172-C-CG.
Other names: c.7622dup, p.Arg2544fs (NM_000296.4); short protein forms R2544fs.
Identifiers: ClinVar variation 3579257 (VCV003579257.3).